The following is an entry in ClinVar:

NM_003072.5(SMARCA4):c.4615T>A (p.Phe1539Ile)

Gene: SMARCA4 (SWI/SNF related BAF chromatin remodeling complex subunit ATPase 4; plus strand). Cytogenetic location: 19p13.2.
Variant type: single nucleotide variant.
Coding change: c.4615T>A on transcript NM_003072.5 (MANE Select); coding-DNA position 4615, T replaced by A.
Protein change: p.Phe1539Ile; replaces phenylalanine 1539 with isoleucine.
Molecular consequence: missense variant. On other transcripts: non-coding transcript variant (1).
Genome position (GRCh38, 1-based): chr19:11,058,869, T>A. VCF-style: chr19-11058869-T-A. GRCh37 (hg19) VCF-style: chr19-11169545-T-A.
Other names: c.4615T>A, p.Phe1539Ile (NM_001128844.3); c.4525T>A, p.Phe1509Ile (NM_001128845.2); c.4522T>A, p.Phe1508Ile (NM_001128846.2); c.4516T>A, p.Phe1506Ile (NM_001128847.4, NM_001374457.1); c.4513T>A, p.Phe1505Ile (NM_001128848.2); c.4711T>A, p.Phe1571Ile (NM_001128849.3, NM_001387283.1); c.4612T>A, p.Phe1538Ile (NM_001411150.1); short protein forms F1506I, F1538I, F1508I, F1509I, F1505I, F1539I, F1571I.
Identifiers: ClinVar variation 5029880 (VCV005029880.1).

ClinVar aggregate classification (germline): Uncertain significance (1 of 4 stars; one submission).

Conditions:
Hereditary cancer-predisposing syndrome. Also called: Neoplastic Syndromes, Hereditary; Tumor predisposition; Hereditary neoplastic syndrome; Hereditary Cancer Syndrome. Identifiers: Orphanet 140162, MedGen C0027672, MeSH D009386, MONDO:0015356.

Submission:

Ambry Genetics
Classification: Uncertain significance for Hereditary cancer-predisposing syndrome. Last evaluated: 2026-08-11. Review status: criteria provided, single submitter. Criteria: Ambry Variant Classification Scheme 2023. Collection method: clinical testing. Allele origin: germline.
Comment: The p.F1571I variant (also known as c.4711T>A), located in coding exon 32 of the SMARCA4 gene, results from a T to A substitution at nucleotide position 4711. The phenylalanine at codon 1571 is replaced by isoleucine, an amino acid with highly similar properties. This amino acid position is conserved. In addition, the in silico prediction for this alteration is inconclusive. Based on the available evidence, the clinical significance of this variant remains unclear.